The following is an entry in ClinVar:

NM_001903.5(CTNNA1):c.2454G>C (p.Leu818=)

Gene: CTNNA1 (catenin alpha 1; plus strand). Cytogenetic location: 5q31.2.
Variant type: single nucleotide variant.
Coding change: c.2454G>C on transcript NM_001903.5 (MANE Select); coding-DNA position 2454, G replaced by C.
Protein change: p.Leu818=; no amino-acid change (leucine 818 retained).
Molecular consequence: synonymous variant. On other transcripts: stop lost (5), intron variant (1).
Genome position (GRCh38, 1-based): chr5:138,933,822, G>C. VCF-style: chr5-138933822-G-C. GRCh37 (hg19) VCF-style: chr5-138269511-G-C.
Other names: *472S; *842S; c.2454G>C (NM_001903.2); c.2525G>C, p.Ter842Ser (NM_001290307.3); c.2145G>C, p.Leu715= (NM_001290309.3); c.2085G>C, p.Leu695= (NM_001290310.3); c.1344G>C, p.Leu448= (NM_001290312.1, NM_001323987.1, NM_001323988.1 and 12 more transcripts); c.2454G>C, p.Leu818= (NM_001323982.2, NM_001323983.1, NM_001323984.2); and 7 more.
Identifiers: ClinVar variation 795584 (VCV000795584.9), dbSNP rs563523226, ClinGen allele CA361135001.

ClinVar aggregate classification (germline): Conflicting classifications of pathogenicity. Review status: criteria provided, conflicting classifications (1 of 4 stars). 2 submissions from 2 submitters: Uncertain significance (1); Likely benign (1). Last evaluated 2026-06-18.

Conditions:
Hereditary cancer-predisposing syndrome. Also called: Tumor predisposition; Hereditary Cancer Syndrome; Neoplastic Syndromes, Hereditary; Hereditary neoplastic syndrome. Identifiers: Orphanet 140162, MedGen C0027672, MeSH D009386, MONDO:0015356.

Submissions (2):

Ambry Genetics
Classification: Uncertain significance for Hereditary cancer-predisposing syndrome. Last evaluated: 2026-06-18. Review status: criteria provided, single submitter. Criteria: Ambry Variant Classification Scheme 2023. Collection method: clinical testing. Allele origin: germline.
Comment: The c.2454G>C variant (also known as p.L818L), located in coding exon 17 of the CTNNA1 gene, results from a G to C substitution at nucleotide position 2454. This nucleotide substitution does not change the leucine at codon 818. This nucleotide position is well conserved in available vertebrate species. In silico splice site analysis for this alteration is inconclusive. Based on the available evidence, the clinical significance of this variant remains unclear.

Labcorp Genetics (formerly Invitae), Labcorp
Classification: Likely benign. Last evaluated: 2018-11-19. Review status: criteria provided, single submitter. Criteria: Invitae Variant Classification Sherloc (09022015). Collection method: clinical testing. Allele origin: germline.